The following is an entry in ClinVar:

ClinVar aggregate classification (germline): Uncertain significance (1 of 4 stars; one submission).

gnomAD v4.1: 20 of 1,614,090 alleles (0.0012%); highest among the groups gnomAD compares: South Asian, 0.022%; 1 homozygote.

Submission:

Labcorp Genetics (formerly Invitae), Labcorp
Classification: Uncertain significance. Last evaluated: 2024-12-05. Review status: criteria provided, single submitter. Criteria: Invitae Variant Classification Sherloc (09022015). Collection method: clinical testing. Allele origin: germline.
Comment: This sequence change replaces methionine, which is neutral and non-polar, with threonine, which is neutral and polar, at codon 281 of the POLR3B protein (p.Met281Thr). This variant is present in population databases (rs766385955, gnomAD 0.02%). This variant has not been reported in the literature in individuals affected with POLR3B-related conditions. Invitae Evidence Modeling of protein sequence and biophysical properties (such as structural, functional, and spatial information, amino acid conservation, physicochemical variation, residue mobility, and thermodynamic stability) indicates that this missense variant is not expected to disrupt POLR3B protein function with a negative predictive value of 80%. In summary, the available evidence is currently insufficient to determine the role of this variant in disease. Therefore, it has been classified as a Variant of Uncertain Significance.

NM_018082.6(POLR3B):c.842T>C (p.Met281Thr)

Gene: POLR3B (RNA polymerase III subunit B; plus strand). Cytogenetic location: 12q23.3.
Variant type: single nucleotide variant.
Coding change: c.842T>C on transcript NM_018082.6 (MANE Select); coding-DNA position 842, T replaced by C.
Protein change: p.Met281Thr; replaces methionine 281 with threonine.
Molecular consequence: missense variant.
Genome position (GRCh38, 1-based): chr12:106,393,149, T>C. VCF-style: chr12-106393149-T-C. GRCh37 (hg19) VCF-style: chr12-106786927-T-C.
Other names: c.668T>C, p.Met223Thr (NM_001160708.2); short protein forms M223T, M281T.
Identifiers: ClinVar variation 3609536 (VCV003609536.2).
Genomic context (GRCh38, chr12:106,393,149, plus strand): 5'-TGATGGCTGCATTTGGGCCCAGTCTGGAAGAGTGCCAGAAAGCTCAGATTTTCACACAGA[T>C]GCAGGTGTGTCTTTTCATGTTGTCCTTTGCTATGAAATGGAATTGGAGACTTAATGCTGC-3'
Protein context (NP_060552.4, residues 271-291): ECQKAQIFTQ[Met281Thr]QALKYIGNKV